The following is an entry in ClinVar:

NM_000103.4(CYP19A1):c.628+2T>A

Genes: CYP19A1 (cytochrome P450 family 19 subfamily A member 1; minus strand), MIR4713HG (MIR4713 host gene; plus strand), PIRC66 (piwi-interacting RNA cluster 66; plus strand). Cytogenetic location: 15q21.2.
Variant type: single nucleotide variant.
Coding change: c.628+2T>A on transcript NM_000103.4 (MANE Select); the canonical splice donor site of the intron after coding-DNA position 628, T replaced by A.
Molecular consequence: splice donor variant.
Genome position (GRCh38, 1-based): chr15:51,222,347, A>T on the plus strand (T>A on the coding strand, the complement: CYP19A1 is on the minus strand). VCF-style: chr15-51222347-A-T. GRCh37 (hg19) VCF-style: chr15-51514544-A-T.
Other names: c.628+2T>A (NM_031226.3, NM_001347248.1, NM_001347249.2 and 7 more transcripts).
Identifiers: ClinVar variation 4816274 (VCV004816274.1).

ClinVar aggregate classification (germline): Likely pathogenic (1 of 4 stars; one submission).

Conditions:
Aromatase deficiency. Also called: PSEUDOHERMAPHRODITISM, FEMALE, DUE TO PLACENTAL AROMATASE DEFICIENCY; Increased aromatase activity. Identifiers: Orphanet 91, MedGen C1960539, MONDO:0013301, OMIM 613546.

Submission:

Natera, Inc.
Classification: Likely pathogenic for Aromatase deficiency. Last evaluated: 2024-04-10. Review status: criteria provided, single submitter. Criteria: Natera Variant Classification Schema (03/2026). Collection method: clinical testing. Allele origin: germline.
Comment: The c.628+2T>A variant in CYP19A1 is a canonical splice donor site variant predicted to affect pre-mRNA splicing, which may result in an abnormal transcript and altered protein product. This variant is expected to result in nonsense mediated decay, truncation, or a dysfunctional protein product. This variant is rare in the general population with a frequency below the threshold expected for the associated phenotype(s). Given the available evidence, this variant is classified as Likely Pathogenic.